The following is an entry in ClinVar:

ClinVar aggregate classification (germline): Uncertain significance. Review status: criteria provided, multiple submitters, no conflicts (2 of 4 stars). 2 submissions from 2 submitters: Uncertain significance (2). Last evaluated 2025-03-25.

Conditions:
Inborn genetic diseases. Identifiers: MedGen C0950123, MeSH D030342.

gnomAD v4.1: 1 of 1,614,158 alleles (0.000062%); no homozygotes.

Submissions (2):

Ambry Genetics
Classification: Uncertain significance for Inborn genetic diseases. Last evaluated: 2025-03-25. Review status: criteria provided, single submitter. Criteria: Ambry Variant Classification Scheme 2023. Collection method: clinical testing. Allele origin: germline.

Labcorp Genetics (formerly Invitae), Labcorp
Classification: Uncertain significance. Last evaluated: 2025-02-24. Review status: criteria provided, single submitter. Criteria: Invitae Variant Classification Sherloc (09022015). Collection method: clinical testing. Allele origin: germline.
Comment: This sequence change replaces alanine, which is neutral and non-polar, with valine, which is neutral and non-polar, at codon 179 of the LRP5 protein (p.Ala179Val). This variant is not present in population databases (gnomAD no frequency). This variant has not been reported in the literature in individuals affected with LRP5-related conditions. ClinVar contains an entry for this variant (Variation ID: 1474853). Invitae Evidence Modeling of protein sequence and biophysical properties (such as structural, functional, and spatial information, amino acid conservation, physicochemical variation, residue mobility, and thermodynamic stability) indicates that this missense variant is expected to disrupt LRP5 protein function with a positive predictive value of 95%. In summary, the available evidence is currently insufficient to determine the role of this variant in disease. Therefore, it has been classified as a Variant of Uncertain Significance.

NM_002335.4(LRP5):c.536C>T (p.Ala179Val)

Gene: LRP5 (LDL receptor related protein 5; plus strand). Cytogenetic location: 11q13.2.
Variant type: single nucleotide variant.
Coding change: c.536C>T on transcript NM_002335.4 (MANE Select); coding-DNA position 536, C replaced by T.
Protein change: p.Ala179Val; replaces alanine 179 with valine.
Molecular consequence: missense variant. On other transcripts: 5 prime UTR variant (1).
Genome position (GRCh38, 1-based): chr11:68,357,697, C>T. VCF-style: chr11-68357697-C-T. GRCh37 (hg19) VCF-style: chr11-68125165-C-T.
Other names: c.536C>T (NM_002335.2); c.-1230C>T (NM_001291902.2); short protein forms A179V.
Identifiers: ClinVar variation 1474853 (VCV001474853.7), dbSNP rs760362830, ClinGen allele CA381611728.